The following is an entry in ClinVar:

NM_022464.5(SIL1):c.614C>T (p.Ala205Val)

Gene: SIL1 (SIL1 nucleotide exchange factor; minus strand). Cytogenetic location: 5q31.2.
Variant type: single nucleotide variant.
Coding change: c.614C>T on transcript NM_022464.5 (MANE Select); coding-DNA position 614, C replaced by T.
Protein change: p.Ala205Val; replaces alanine 205 with valine.
Molecular consequence: missense variant.
Genome position (GRCh38, 1-based): chr5:139,026,832, G>A on the plus strand (C>T on the coding strand, the complement: SIL1 is on the minus strand). VCF-style: chr5-139026832-G-A. GRCh37 (hg19) VCF-style: chr5-138362521-G-A.
Other names: c.614C>T, p.Ala205Val (NM_001037633.2); c.614C>T (NM_022464.4); short protein forms A205V.
Identifiers: ClinVar variation 2045203 (VCV002045203.3), dbSNP rs763109593, ClinGen allele CA3432543.
Genomic context (GRCh38, chr5:139,026,832, plus strand): 5'-TCTGACTTATGGACGAAGAAATACAGTACCTGATGGACATAATATTCAAGATCAAAGAGC[G>A]CAGCAATCTTCTCTTCCAAACTGGAGCTGGAACTATTGAACTTGTTGATCAGCCGTACCA-3'
Protein context (NP_071909.1, residues 195-215): SSSSLEEKIA[Ala205Val]LFDLEYYVHQ

ClinVar aggregate classification (germline): Uncertain significance. Review status: criteria provided, multiple submitters, no conflicts (2 of 4 stars). 2 submissions from 2 submitters: Uncertain significance (2). Last evaluated 2025-09-10.

Conditions:
Marinesco-Sjögren syndrome (MSS). Also called: Marinesco-Sjogren Syndrome; Marinesco-SjÃ¶gren syndrome. Identifiers: Orphanet 559, MedGen C0024814, MONDO:0009567, OMIM 248800.
SIL1-related disorder. Also called: SIL1-related condition.

Allele frequency attached by ClinVar (database versions not stated): ExAC 0.00002; gnomAD exomes 0.00002; gnomAD 0.00003; TOPMed 0.00005.
gnomAD v4.1: 38 of 1,613,950 alleles (0.0024%); highest among the groups gnomAD compares: East Asian, 0.0067%; no homozygotes.

Submissions (2):

PreventionGenetics, part of Exact Sciences
Classification: Uncertain significance for SIL1-related condition. Last evaluated: 2025-09-10. Review status: criteria provided, single submitter. Criteria: ACMG Guidelines, 2015. Collection method: clinical testing. Allele origin: germline.
Comment: The SIL1 c.614C>T variant is predicted to result in the amino acid substitution p.Ala205Val. To our knowledge, this variant has not been reported in the literature. This variant is reported in 0.018% of alleles in individuals of African descent in gnomAD. At this time, the clinical significance of this variant is uncertain due to the absence of conclusive functional and genetic evidence.

Labcorp Genetics (formerly Invitae), Labcorp
Classification: Uncertain significance for Marinesco-Sjögren syndrome. Last evaluated: 2024-11-05. Review status: criteria provided, single submitter. Criteria: Invitae Variant Classification Sherloc (09022015). Collection method: clinical testing. Allele origin: germline.
Comment: This sequence change replaces alanine, which is neutral and non-polar, with valine, which is neutral and non-polar, at codon 205 of the SIL1 protein (p.Ala205Val). This variant is present in population databases (rs763109593, gnomAD 0.02%). This variant has not been reported in the literature in individuals affected with SIL1-related conditions. ClinVar contains an entry for this variant (Variation ID: 2045203). Invitae Evidence Modeling of protein sequence and biophysical properties (such as structural, functional, and spatial information, amino acid conservation, physicochemical variation, residue mobility, and thermodynamic stability) indicates that this missense variant is not expected to disrupt SIL1 protein function with a negative predictive value of 80%. In summary, the available evidence is currently insufficient to determine the role of this variant in disease. Therefore, it has been classified as a Variant of Uncertain Significance.